The following is an entry in ClinVar:

NM_001098511.3(KIF2A):c.1486G>A (p.Gly496Ser)

Gene: KIF2A (kinesin family member 2A; plus strand). Cytogenetic location: 5q12.1.
Variant type: single nucleotide variant.
Coding change: c.1486G>A on transcript NM_001098511.3 (MANE Select); coding-DNA position 1486, G replaced by A.
Protein change: p.Gly496Ser; replaces glycine 496 with serine.
Molecular consequence: missense variant.
Genome position (GRCh38, 1-based): chr5:62,365,261, G>A. VCF-style: chr5-62365261-G-A. GRCh37 (hg19) VCF-style: chr5-61661088-G-A.
Other names: c.1405G>A, p.Gly469Ser (NM_001243952.2); c.1429G>A, p.Gly477Ser (NM_001243953.2); c.1486G>A, p.Gly496Ser (NM_004520.5); short protein forms G469S, G477S, G496S.
Identifiers: ClinVar variation 1312169 (VCV001312169.2), dbSNP rs2111964836, ClinGen allele CA359951721.

ClinVar aggregate classification (germline): Uncertain significance (1 of 4 stars; one submission).

Submission:

GeneDx
Classification: Uncertain significance. Last evaluated: 2019-09-18. Review status: criteria provided, single submitter. Criteria: GeneDx Variant Classification Process June 2021. Collection method: clinical testing. Allele origin: germline. Affected: yes.
Comment: Not observed in large population cohorts (Lek et al., 2016); In silico analysis, which includes protein predictors and evolutionary conservation, supports a deleterious effect; Has not been previously published as pathogenic or benign to our knowledge